The following is an entry in ClinVar:

ClinVar aggregate classification (germline): Uncertain significance (1 of 4 stars; one submission).

gnomAD v4.1: 191 of 1,613,728 alleles (0.012%); highest among the groups gnomAD compares: Non-Finnish European, 0.016%; no homozygotes.

Submission:

GeneDx
Classification: Uncertain significance. Last evaluated: 2025-01-26. Review status: criteria provided, single submitter. Criteria: GeneDx Variant Classification Process June 2021. Collection method: clinical testing. Allele origin: germline. Affected: yes.
Comment: Not observed at significant frequency in large population cohorts (gnomAD); In silico analysis indicates that this missense variant does not alter protein structure/function; Has not been previously published as pathogenic or benign to our knowledge

NM_004239.4(TRIP11):c.3083G>A (p.Arg1028Gln)

Gene: TRIP11 (thyroid hormone receptor interactor 11; minus strand). Cytogenetic location: 14q32.12.
Variant type: single nucleotide variant.
Coding change: c.3083G>A on transcript NM_004239.4 (MANE Select); coding-DNA position 3083, G replaced by A.
Protein change: p.Arg1028Gln; replaces arginine 1028 with glutamine.
Molecular consequence: missense variant.
Genome position (GRCh38, 1-based): chr14:92,004,893, C>T on the plus strand (G>A on the coding strand, the complement: TRIP11 is on the minus strand). VCF-style: chr14-92004893-C-T. GRCh37 (hg19) VCF-style: chr14-92471237-C-T.
Other names: c.3080G>A, p.Arg1027Gln (NM_001321851.1); short protein forms R1027Q, R1028Q.
Identifiers: ClinVar variation 4071864 (VCV004071864.1).
Genomic context (GRCh38, chr14:92,004,893, plus strand): 5'-TGATCAATCTGTTTAGTTAAAGATATATTCTTTTCATTTAGAAGTTTAATCTCCAGTTCT[C>T]GCTCTTTTATTCCTTTCACTAATCTTTCCGTTTCAGCTTTAGATAAATCATGCTTTTCAC-3'
Protein context (NP_004230.2, residues 1018-1038): TERLVKGIKE[Arg1028Gln]ELEIKLLNEK